The following is an entry in ClinVar:

ClinVar aggregate classification (germline): Benign (0 of 4 stars; one submission).

Conditions:
EIF4A2-related disorder. Also called: EIF4A2-related condition.

Allele frequency attached by ClinVar (database versions not stated): ESP Exome Variant Server 0.00008; TOPMed 0.00080; gnomAD 0.00089; gnomAD exomes 0.00147; ExAC 0.00154; 1000 Genomes Project 30x 0.00484; 1000 Genomes Project 0.00579.
gnomAD v4.1: 2,238 of 1,612,376 alleles (0.14%); highest among the groups gnomAD compares: East Asian, 4.7%; 76 homozygotes.

Submission:

PreventionGenetics, part of Exact Sciences
Classification: Benign for EIF4A2-related condition. Last evaluated: 2019-12-16. Review status: no assertion criteria provided. Collection method: clinical testing. Allele origin: germline.
Comment: This variant is classified as benign based on ACMG/AMP sequence variant interpretation guidelines (Richards et al. 2015 PMID: 25741868, with internal and published modifications).

NM_001967.4(EIF4A2):c.518-7C>T

Gene: EIF4A2 (eukaryotic translation initiation factor 4A2; plus strand). Cytogenetic location: 3q27.3.
Variant type: single nucleotide variant.
Coding change: c.518-7C>T on transcript NM_001967.4 (MANE Select); 7 bases into the intron before coding-DNA position 518, C replaced by T.
Molecular consequence: intron variant.
Genome position (GRCh38, 1-based): chr3:186,786,157, C>T. VCF-style: chr3-186786157-C-T. GRCh37 (hg19) VCF-style: chr3-186503946-C-T.
Identifiers: ClinVar variation 3048221 (VCV003048221.2), dbSNP rs80057919, ClinGen allele CA2746920.
Genomic context (GRCh38, chr3:186,786,157, plus strand): 5'-TAGTTGAAAAGTCAAATTGTATCACTGAGTAGATCTAGAAATGACAGTATGACTTTGTTT[C>T]TAACAGCTCCAAAATGGATCAAAATGTTTGTTTTGGATGAAGCAGATGAAATGTTGAGCC-3'